The following is an entry in ClinVar:

NM_153240.5(NPHP3):c.155C>T (p.Ala52Val)

Genes: NPHP3 (nephrocystin 3; minus strand), NPHP3-ACAD11 (NPHP3-ACAD11 readthrough (NMD candidate); minus strand), NPHP3-AS1 (NPHP3 antisense RNA 1; plus strand), LOC129937586 (ATAC-STARR-seq lymphoblastoid silent region 14743; plus strand). Cytogenetic location: 3q22.1.
Variant type: single nucleotide variant.
Coding change: c.155C>T on transcript NM_153240.5 (MANE Select); coding-DNA position 155, C replaced by T.
Protein change: p.Ala52Val; replaces alanine 52 with valine.
Molecular consequence: missense variant. On other transcripts: non-coding transcript variant (3).
Genome position (GRCh38, 1-based): chr3:132,722,201, G>A on the plus strand (C>T on the coding strand, the complement: NPHP3 is on the minus strand). VCF-style: chr3-132722201-G-A. GRCh37 (hg19) VCF-style: chr3-132441045-G-A.
Other names: c.155C>T (NM_153240.4); short protein forms A52V.
Identifiers: ClinVar variation 1500050 (VCV001500050.10), dbSNP rs747055547, ClinGen allele CA83611042.
Genomic context (GRCh38, chr3:132,722,201, plus strand): 5'-GCCCCCAGCAGCCCGCCCGCGCCCACCCCGCGGGGCAGCGACCCGGGCCCGGCCCCTGCT[G>A]CCGCCCCCGCGCCTCGGCGGAACGAGTTGCGCAGCAGGCGGGCCTTGGGCTTCACCTCCA-3'
Protein context (NP_694972.3, residues 42-62): RNSFRRGAGA[Ala52Val]AGAGPGSLPR

ClinVar aggregate classification (germline): Uncertain significance. Review status: criteria provided, multiple submitters, no conflicts (2 of 4 stars). 3 submissions from 3 submitters: Uncertain significance (2). 1 of the submissions does not count toward it. Last evaluated 2024-06-12.

Conditions:
NPHP3-related disorder. Also called: NPHP3-related condition; NPHP3-related disorders. Identifiers: MedGen CN379163.
Nephronophthisis. Also called: Juvenile Nephronophthisis. Identifiers: Orphanet 655, MedGen C0687120, MONDO:0019005, HP:0000090.
Renal-hepatic-pancreatic dysplasia 1 (RHPD1). Identifiers: MedGen C3715199, MONDO:0008833, OMIM 208540.
Nephronophthisis 3 (NPHP3). Also called: Adolescent nephronophthisis. Identifiers: Orphanet 655, MedGen C1858392, MONDO:0011456, OMIM 604387.
NPHP3-related Meckel-like syndrome. Also called: Meckel syndrome type 7; GOLDSTON SYNDROME. Identifiers: Orphanet 3032, MedGen C2673885, MONDO:0009966, OMIM 267010.

gnomAD v4.1: 6 of 1,509,692 alleles (0.0004%); highest among the groups gnomAD compares: African/African-American, 0.0057%; no homozygotes.

Submissions (3):

Fulgent Genetics
Classification: Uncertain significance for Renal-hepatic-pancreatic dysplasia 1; NPHP3-related Meckel-like syndrome; Nephronophthisis 3. Last evaluated: 2024-06-12. Review status: criteria provided, single submitter. Criteria: ACMG Guidelines, 2015. Collection method: clinical testing. Allele origin: germline.

Labcorp Genetics (formerly Invitae), Labcorp
Classification: Uncertain significance for Nephronophthisis. Last evaluated: 2023-10-13. Review status: criteria provided, single submitter. Criteria: Invitae Variant Classification Sherloc (09022015). Collection method: clinical testing. Allele origin: germline.
Comment: This sequence change replaces alanine, which is neutral and non-polar, with valine, which is neutral and non-polar, at codon 52 of the NPHP3 protein (p.Ala52Val). This variant is not present in population databases (gnomAD no frequency). This variant has not been reported in the literature in individuals affected with NPHP3-related conditions. ClinVar contains an entry for this variant (Variation ID: 1500050). Algorithms developed to predict the effect of missense changes on protein structure and function output the following: SIFT: "Not Available"; PolyPhen-2: "Benign"; Align-GVGD: "Not Available". The valine amino acid residue is found in multiple mammalian species, which suggests that this missense change does not adversely affect protein function. In summary, the available evidence is currently insufficient to determine the role of this variant in disease. Therefore, it has been classified as a Variant of Uncertain Significance.

PreventionGenetics, part of Exact Sciences
Classification: Uncertain significance for NPHP3-related condition. Last evaluated: 2024-09-04. Review status: no assertion criteria provided. Collection method: clinical testing. Allele origin: germline. Not counted in ClinVar's aggregate classification.
Comment: The NPHP3 c.155C>T variant is predicted to result in the amino acid substitution p.Ala52Val. To our knowledge, this variant has not been reported in the literature. This variant is reported in 0.0% of alleles in individuals of African descent in gnomAD. At this time, the clinical significance of this variant is uncertain due to the absence of conclusive functional and genetic evidence.